The following is an entry in ClinVar:

ClinVar aggregate classification (germline): Likely pathogenic (1 of 4 stars; one submission).

Conditions:
PURA-related severe neonatal hypotonia-seizures-encephalopathy syndrome (NEDRIHF). Also called: NEURODEVELOPMENTAL DISORDER WITH NEONATAL RESPIRATORY INSUFFICIENCY, HYPOTONIA, AND FEEDING DIFFICULTIES; PURA-Related Neurodevelopmental Disorders. Identifiers: Orphanet 438213, Orphanet 438216, MedGen C4015357, MONDO:1060108, OMIM 616158, MONDO:0018580.

Submission:

3billion
Classification: Likely pathogenic for PURA-related severe neonatal hypotonia-seizures-encephalopathy syndrome. Last evaluated: 2023-08-27. Review status: criteria provided, single submitter. Criteria: ACMG Guidelines, 2015. Collection method: clinical testing. Allele origin: germline. Affected: yes.
Comment: The variant is not observed in the gnomAD v2.1.1 dataset. Predicted Consequence/Location: Frameshift: predicted to result in a loss or disruption of normal protein function through protein truncation. Multiple pathogenic variants are reported in the predicted truncated region. Therefore, this variant is classified as Likely pathogenic according to the recommendation of ACMG/AMP guideline.

NM_005859.5(PURA):c.147_165dup (p.His56fs)

Gene: PURA (purine rich element binding protein A; plus strand). Cytogenetic location: 5q31.3.
Variant type: Duplication.
Coding change: c.147_165dup on transcript NM_005859.5 (MANE Select); coding-DNA positions 147 to 165, 19 bases duplicated (GGCCCCAGGGGGGCTGCAG).
Protein change: p.His56fs; shifts the reading frame from histidine 56.
Molecular consequence: frameshift variant.
Genome position (GRCh38, 1-based): chr5:140,114,328-140,114,346, GGCCCCAGGGGGGCTGCAG duplicated; duplicating any 19 consecutive bases within chr5:140,114,327-140,114,346 gives the same sequence; the c. name uses the placement nearest the transcript's 3' end. VCF-style (leftmost placement, unchanged base first): chr5-140114326-G-GGGGCCCCAGGGGGGCTGCA. GRCh37 (hg19) VCF-style: chr5-139493911-G-GGGGCCCCAGGGGGGCTGCA.
Other names: short protein forms H56fs.
Identifiers: ClinVar variation 3775184 (VCV003775184.1).
Genomic context (GRCh38, chr5:140,114,326, plus strand): 5'-GGCTCCGGCGGGGGCGGTGGTGGCGGCGGGGGCGGCGGCGGCAGTGGCGGCGGCGGCGGC[G>GGGGCCCCAGGGGGGCTGCA]GGGCCCCAGGGGGGCTGCAGCACGAGACGCAGGAGCTGGCCTCCAAGCGGGTGGACATCC-3'